The following is an entry in ClinVar:

ClinVar aggregate classification (germline): Uncertain significance (1 of 4 stars; one submission).

Conditions:
Familial cold autoinflammatory syndrome 3 (FCAS3). Also called: FAMILIAL ATYPICAL COLD URTICARIA; ANTIBODY DEFICIENCY AND IMMUNE DYSREGULATION, PLCG2-ASSOCIATED. Identifiers: Orphanet 300359, MedGen C3280914, MONDO:0013766, OMIM 614468.

Submission:

Labcorp Genetics (formerly Invitae), Labcorp
Classification: Uncertain significance for Familial cold autoinflammatory syndrome 3. Last evaluated: 2022-04-26. Review status: criteria provided, single submitter. Criteria: Invitae Variant Classification Sherloc (09022015). Collection method: clinical testing. Allele origin: germline.
Comment: In summary, the available evidence is currently insufficient to determine the role of this variant in disease. Therefore, it has been classified as a Variant of Uncertain Significance. Experimental studies and prediction algorithms are not available or were not evaluated, and the functional significance of this variant is currently unknown. This variant has not been reported in the literature in individuals affected with PLCG2-related conditions. This variant is not present in population databases (gnomAD no frequency). This sequence change creates a premature translational stop signal (p.Gln478*) in the PLCG2 gene. It is expected to result in an absent or disrupted protein product. However, the current clinical and genetic evidence is not sufficient to establish whether loss-of-function variants in PLCG2 cause disease.

NM_002661.5(PLCG2):c.1432C>T (p.Gln478Ter)

Gene: PLCG2 (phospholipase C gamma 2; plus strand). Cytogenetic location: 16q23.3.
Variant type: single nucleotide variant.
Coding change: c.1432C>T on transcript NM_002661.5 (MANE Select); coding-DNA position 1432, C replaced by T.
Protein change: p.Gln478Ter; replaces glutamine 478 with a stop codon.
Molecular consequence: nonsense.
Genome position (GRCh38, 1-based): chr16:81,905,472, C>T. VCF-style: chr16-81905472-C-T. GRCh37 (hg19) VCF-style: chr16-81939077-C-T.
Other names: short protein forms Q478*.
Identifiers: ClinVar variation 2130881 (VCV002130881.4), dbSNP rs2507657922, ClinGen allele CA396899731.